The following is an entry in ClinVar:

ClinVar aggregate classification (germline): Pathogenic (1 of 4 stars; one submission).

Conditions:
Tyrosinemia type I (TYRSN1). Also called: FAH DEFICIENCY; HEPATORENAL TYROSINEMIA; Tyrosinemia type 1; Fumarylacetoacetase deficiency; Deficiency of fumarylacetoacetase. Identifiers: Orphanet 882, MedGen C0268490, MONDO:0010161, OMIM 276700. Disease mechanism: loss of function.

Submission:

Myriad Genetics, Inc.
Classification: Pathogenic for Tyrosinemia type I. Last evaluated: 2025-12-18. Review status: criteria provided, single submitter. Criteria: Myriad Autosomal Dominant, Autosomal Recessive and X-Linked Classification Criteria (2023). Collection method: clinical testing. Allele origin: unknown.
Comment: NM_000137.2(FAH):c.536dupA(M180Dfs*4) is expected to be pathogenic in the context of tyrosinemia type I. This variant is predicted to lead to an abnormal or absent protein product due to the creation of a premature termination codon in FAH, a gene where loss-of-function variants are known to be pathogenic. Please note: this variant was assessed in the context of healthy population screening.

NM_000137.4(FAH):c.536dup (p.Met180fs)

Gene: FAH (fumarylacetoacetate hydrolase; plus strand). Cytogenetic location: 15q25.1.
Variant type: Duplication.
Coding change: c.536dup on transcript NM_000137.4 (MANE Select); coding-DNA position 536, one base duplicated (A; older notation c.536dupA).
Protein change: p.Met180fs; shifts the reading frame from methionine 180.
Molecular consequence: frameshift variant.
Genome position (GRCh38, 1-based): chr15:80,168,132, A duplicated. VCF-style (leftmost placement, unchanged base first): chr15-80168131-C-CA. GRCh37 (hg19) VCF-style: chr15-80460473-C-CA.
Other names: c.536dup, p.Met180fs (NM_001374377.1, NM_001374380.1); short protein forms M180fs.
Identifiers: ClinVar variation 5015338 (VCV005015338.1).